The following is an entry in ClinVar:

NM_005751.5(AKAP9):c.8929T>G (p.Ser2977Ala)

Gene: AKAP9 (A-kinase anchoring protein 9; plus strand). Cytogenetic location: 7q21.2.
Variant type: single nucleotide variant.
Coding change: c.8929T>G on transcript NM_005751.5 (MANE Select); coding-DNA position 8929, T replaced by G.
Protein change: p.Ser2977Ala; replaces serine 2977 with alanine.
Molecular consequence: missense variant.
Genome position (GRCh38, 1-based): chr7:92,085,591, T>G. VCF-style: chr7-92085591-T-G. GRCh37 (hg19) VCF-style: chr7-91714905-T-G.
Other names: c.3574T>G, p.Ser1192Ala (NM_001379277.1); c.8905T>G, p.Ser2969Ala (NM_147185.3); short protein forms S1192A, S2969A, S2977A.
Identifiers: ClinVar variation 3023543 (VCV003023543.3), dbSNP rs186619641, ClinGen allele CA4337618.
Genomic context (GRCh38, chr7:92,085,591, plus strand): 5'-GTGCTTTCTCTCACTGAGTCTCCCTATAGTGATGGAGAGGACCATTCTATTCAGCAGGTT[T>G]CAGAACCTTGGCTAGAAGAGAGAAAAGCTTACATCAATACAATCTCATCTCTAAAGGATT-3'
Protein context (NP_005742.4, residues 2967-2987): DGEDHSIQQV[Ser2977Ala]EPWLEERKAY

ClinVar aggregate classification (germline): Uncertain significance (1 of 4 stars; one submission).

Conditions:
Long QT syndrome (LQTS). Identifiers: MedGen C0023976, MeSH D008133, MONDO:0002442. Disease mechanism: loss of function. Inheritance: Various modes of inheritance.

Allele frequency attached by ClinVar (database versions not stated): ExAC 0.00001; TOPMed 0.00001; gnomAD 0.00003; 1000 Genomes Project 30x 0.00016; 1000 Genomes Project 0.00020.
gnomAD v4.1: 4 of 1,613,888 alleles (0.00025%); highest among the groups gnomAD compares: African/African-American, 0.0053%; no homozygotes.

Submission:

Labcorp Genetics (formerly Invitae), Labcorp
Classification: Uncertain significance for Long QT syndrome. Last evaluated: 2024-01-04. Review status: criteria provided, single submitter. Criteria: Invitae Variant Classification Sherloc (09022015). Collection method: clinical testing. Allele origin: germline.
Comment: This sequence change replaces serine, which is neutral and polar, with alanine, which is neutral and non-polar, at codon 2977 of the AKAP9 protein (p.Ser2977Ala). This variant is present in population databases (rs186619641, gnomAD 0.007%). This variant has not been reported in the literature in individuals affected with AKAP9-related conditions. An algorithm developed to predict the effect of missense changes on protein structure and function (PolyPhen-2) suggests that this variant is likely to be tolerated. In summary, the available evidence is currently insufficient to determine the role of this variant in disease. Therefore, it has been classified as a Variant of Uncertain Significance.